The following is an entry in ClinVar:

ClinVar aggregate classification (germline): Uncertain significance (1 of 4 stars; one submission).

gnomAD v4.1: 2 of 1,597,570 alleles (0.00013%); highest among the groups gnomAD compares: Admixed American, 0.0017%; no homozygotes.

Submission:

Labcorp Genetics (formerly Invitae), Labcorp
Classification: Uncertain significance. Last evaluated: 2024-03-19. Review status: criteria provided, single submitter. Criteria: Invitae Variant Classification Sherloc (09022015). Collection method: clinical testing. Allele origin: germline.
Comment: This sequence change replaces arginine, which is basic and polar, with glycine, which is neutral and non-polar, at codon 35 of the RNF31 protein (p.Arg35Gly). This variant is present in population databases (no rsID available, gnomAD 0.003%). This variant has not been reported in the literature in individuals affected with RNF31-related conditions. An algorithm developed to predict the effect of missense changes on protein structure and function (PolyPhen-2) suggests that this variant is likely to be tolerated. In summary, the available evidence is currently insufficient to determine the role of this variant in disease. Therefore, it has been classified as a Variant of Uncertain Significance.

NM_017999.5(RNF31):c.103C>G (p.Arg35Gly)

Gene: RNF31 (ring finger protein 31; plus strand). Cytogenetic location: 14q12.
Variant type: single nucleotide variant.
Coding change: c.103C>G on transcript NM_017999.5 (MANE Select); coding-DNA position 103, C replaced by G.
Protein change: p.Arg35Gly; replaces arginine 35 with glycine.
Molecular consequence: missense variant. On other transcripts: intron variant (1).
Genome position (GRCh38, 1-based): chr14:24,147,801, C>G. VCF-style: chr14-24147801-C-G. GRCh37 (hg19) VCF-style: chr14-24617010-C-G.
Other names: c.-325-175C>G (NM_001310332.2); short protein forms R35G.
Identifiers: ClinVar variation 3684440 (VCV003684440.2).